The following is an entry in ClinVar:

NM_000218.3(KCNQ1):c.1794+2_1794+5del

Gene: KCNQ1 (potassium voltage-gated channel subfamily Q member 1; plus strand). Cytogenetic location: 11p15.5.
Variant type: Deletion.
Coding change: c.1794+2_1794+5del on transcript NM_000218.3 (MANE Select); the canonical splice donor site of the intron after coding-DNA position 1794 through 5 bases into the intron after coding-DNA position 1794, 4 bases deleted (TAGG; older notation c.1794+2_1794+5delTAGG).
Molecular consequence: splice donor variant.
Genome position (GRCh38, 1-based): chr11:2,778,039-2,778,042, TAGG deleted; deleting any 4 consecutive bases within chr11:2,778,036-2,778,042 gives the same sequence; the c. name uses the placement nearest the transcript's 3' end. VCF-style (leftmost placement, unchanged base first): chr11-2778035-AAGGT-A. GRCh37 (hg19) VCF-style: chr11-2799265-AAGGT-A.
Other names: c.1524+2_1524+5del (NM_001406837.1); c.1698+2_1698+5del (NM_001406836.1); c.1254+2_1254+5del (NM_001406838.1); c.1413+2_1413+5del (NM_181798.2); c.306+2_306+5del (NM_001406839.1).
Identifiers: ClinVar variation 858328 (VCV000858328.4), dbSNP rs1846743506, ClinGen allele CA916080422.
Genomic context (GRCh38, chr11:2,778,035, plus strand): 5'-GAAAAGAGCAAGGATCGCGGCAGCAACACGATCGGCGCCCGCCTGAACCGAGTAGAAGAC[AAGGT>A]AGGCTCACGCGCCGGCCTGCGGTGGTTCTGGTTAGCGTCCTGGGGCCAGCAGGCACCTCC-3'

ClinVar aggregate classification (germline): Conflicting classifications of pathogenicity. Review status: criteria provided, conflicting classifications (1 of 4 stars). 2 submissions from 2 submitters: Likely pathogenic (1); Uncertain significance (1). Last evaluated 2019-11-27.

Conditions:
Long QT syndrome (LQTS). Identifiers: MedGen C0023976, MeSH D008133, MONDO:0002442. Disease mechanism: loss of function. Inheritance: Various modes of inheritance.
Long QT syndrome 1 (LQT1). Identifiers: Orphanet 101016, Orphanet 768, MedGen C4551647, MONDO:0100316, OMIM 192500, MONDO:0008646.

Submissions (2):

Labcorp Genetics (formerly Invitae), Labcorp
Classification: Uncertain significance for Long QT syndrome. Last evaluated: 2019-11-27. Review status: criteria provided, single submitter. Criteria: Invitae Variant Classification Sherloc (09022015). Collection method: clinical testing. Allele origin: germline.
Comment: This sequence change affects a donor splice site in the last intron (intron 15) of the KCNQ1 gene. While this is not anticipated to result in nonsense mediated decay, it likely alters RNA splicing and results in a disrupted protein product. This variant is not present in population databases (ExAC no frequency). This variant has not been reported in the literature in individuals with KCNQ1-related conditions. Nucleotide substitutions within the consensus splice site are a relatively common cause of aberrant splicing (PMID: 17576681, 9536098). Algorithms developed to predict the effect of sequence changes on RNA splicing suggest that this variant may disrupt the consensus splice site, but this prediction has not been confirmed by published transcriptional studies. In summary, the available evidence is currently insufficient to determine the role of this variant in disease. Therefore, it has been classified as a Variant of Uncertain Significance.

Clinical Genetics Laboratory, Region Ostergotland
Classification: Likely pathogenic for Long QT syndrome 1. Last evaluated: 2019-05-15. Review status: criteria provided, single submitter. Criteria: ACMG Guidelines, 2015. Collection method: clinical testing. Allele origin: germline. Affected: yes.
Comment: PVS1, PM2